The following is an entry in ClinVar:

NM_003924.4(PHOX2B):c.40T>A (p.Tyr14Asn)

Genes: PHOX2B-AS1 (PHOX2B antisense RNA 1; plus strand), PHOX2B (paired like homeobox 2B; minus strand). Cytogenetic location: 4p13.
Variant type: single nucleotide variant.
Coding change: c.40T>A on transcript NM_003924.4 (MANE Select); coding-DNA position 40, T replaced by A.
Protein change: p.Tyr14Asn; replaces tyrosine 14 with asparagine.
Molecular consequence: missense variant. On other transcripts: non-coding transcript variant (1).
Genome position (GRCh38, 1-based): chr4:41,748,571, A>T on the plus strand (T>A on the coding strand, the complement: PHOX2B is on the minus strand). VCF-style: chr4-41748571-A-T. GRCh37 (hg19) VCF-style: chr4-41750588-A-T.
Other names: short protein forms Y14N.
Identifiers: ClinVar variation 5026563 (VCV005026563.1).
Genomic context (GRCh38, chr4:41,748,571, plus strand): 5'-TGAAGTCAGCATAGGCTGAAGCCAGGCTCGAGGTGTCCATCCCAGCCATACAGGACTCGT[A>T]GGCAGAGGAATTGAGGTAAGAATATTCCATTTTATACATTGAAAAGGTTCTGGATGGCTC-3'
Protein context (NP_003915.2, residues 4-24): MEYSYLNSSA[Tyr14Asn]ESCMAGMDTS

ClinVar aggregate classification (germline): Uncertain significance (1 of 4 stars; one submission).

Conditions:
Hereditary cancer-predisposing syndrome. Also called: Neoplastic Syndromes, Hereditary; Tumor predisposition; Hereditary neoplastic syndrome; Hereditary Cancer Syndrome. Identifiers: Orphanet 140162, MedGen C0027672, MeSH D009386, MONDO:0015356.

Submission:

Ambry Genetics
Classification: Uncertain significance for Hereditary cancer-predisposing syndrome. Last evaluated: 2026-07-06. Review status: criteria provided, single submitter. Criteria: Ambry Variant Classification Scheme 2023. Collection method: clinical testing. Allele origin: germline.
Comment: The p.Y14N variant (also known as c.40T>A), located in coding exon 1 of the PHOX2B gene, results from a T to A substitution at nucleotide position 40. The tyrosine at codon 14 is replaced by asparagine, an amino acid with dissimilar properties. This amino acid position is conserved. In addition, this alteration is predicted to be deleterious by in silico analysis. Based on the available evidence, the clinical significance of this variant remains unclear.